The following is an entry in ClinVar:

ClinVar aggregate classification (germline): Likely benign (1 of 4 stars; one submission).

gnomAD v4.1: 9 of 1,607,996 alleles (0.00056%); highest among the groups gnomAD compares: African/African-American, 0.0027%; no homozygotes.

Submission:

CeGaT Center for Human Genetics Tuebingen
Classification: Likely benign. Last evaluated: 2025-08-01. Review status: criteria provided, single submitter. Criteria: CeGaT Center For Human Genetics Tuebingen Variant Classification Criteria Version 2. Collection method: clinical testing. Allele origin: germline. Affected: yes. Observed: 1 variant allele.
Comment: PRODH2: BP4, BP7

NM_021232.2(PRODH2):c.696C>T (p.His232=)

Gene: PRODH2 (proline dehydrogenase 2; minus strand). Cytogenetic location: 19q13.12.
Variant type: single nucleotide variant.
Coding change: c.696C>T on transcript NM_021232.2 (MANE Select); coding-DNA position 696, C replaced by T.
Protein change: p.His232=; no amino-acid change (histidine 232 retained).
Molecular consequence: synonymous variant. On other transcripts: intron variant (2).
Genome position (GRCh38, 1-based): chr19:35,806,813, G>A on the plus strand (C>T on the coding strand, the complement: PRODH2 is on the minus strand). VCF-style: chr19-35806813-G-A. GRCh37 (hg19) VCF-style: chr19-36297715-G-A.
Other names: c.696C>T, p.His232= (NM_001378293.1); c.679-217C>T (NM_001378294.1, NM_001378292.1).
Identifiers: ClinVar variation 4085113 (VCV004085113.8).